The following is an entry in ClinVar:

NM_001282534.2(KCNK9):c.551G>A (p.Trp184Ter)

Gene: KCNK9 (potassium two pore domain channel subfamily K member 9; minus strand). Cytogenetic location: 8q24.3.
Variant type: single nucleotide variant.
Coding change: c.551G>A on transcript NM_001282534.2 (MANE Select); coding-DNA position 551, G replaced by A.
Protein change: p.Trp184Ter; replaces tryptophan 184 with a stop codon.
Molecular consequence: nonsense. On other transcripts: non-coding transcript variant (1).
Genome position (GRCh38, 1-based): chr8:139,618,832, C>T on the plus strand (G>A on the coding strand, the complement: KCNK9 is on the minus strand). VCF-style: chr8-139618832-C-T. GRCh37 (hg19) VCF-style: chr8-140631075-C-T.
Other names: short protein forms W184*.
Identifiers: ClinVar variation 1035739 (VCV001035739.8), dbSNP rs1814683541, ClinGen allele CA372734377.

ClinVar aggregate classification (germline): Uncertain significance (1 of 4 stars; one submission).

Submission:

Labcorp Genetics (formerly Invitae), Labcorp
Classification: Uncertain significance. Last evaluated: 2017-08-11. Review status: criteria provided, single submitter. Criteria: Invitae Variant Classification Sherloc (09022015). Collection method: clinical testing. Allele origin: germline.
Comment: This sequence change results in a premature translational stop signal in the KCNK9 gene (p.Trp184*). While this is not anticipated to result in nonsense mediated decay, it is expected to delete the last 190 amino acids of the KCNK9 protein. This variant is not present in population databases (ExAC no frequency). This variant has not been reported in the literature in individuals with KCNK9-related disease. A missense substitution located downstream (p.Gly236Arg) of this truncating variant has been determined to be pathogenic (PMID: 18678320, 24342771). This suggests that deletion of the last 190 amino acids of KCNK9 protein may also be pathogenic. In summary, the available evidence is currently insufficient to determine the role of this variant in disease. Therefore, it has been classified as a Variant of Uncertain Significance.

Literature cited by the submitters: PubMed 18678320; PubMed 24342771.